The following is an entry in ClinVar:

NC_000002.11:g.(?_234237727)_(234247303_?)del

Gene: SAG (S-antigen visual arrestin; plus strand). Cytogenetic location: 2q37.1.
Variant type: Deletion.
Identifiers: ClinVar variation 1460172 (VCV001460172.6).

ClinVar aggregate classification (germline): Pathogenic (1 of 4 stars; one submission).

Submission:

Labcorp Genetics (formerly Invitae), Labcorp
Classification: Pathogenic. Last evaluated: 2023-08-28. Review status: criteria provided, single submitter. Criteria: Invitae Variant Classification Sherloc (09022015). Collection method: clinical testing. Allele origin: germline.
Comment: For these reasons, this variant has been classified as Pathogenic. This variant has not been reported in the literature in individuals affected with SAG-related conditions. This variant is a gross deletion of the genomic region encompassing exon(s) 9-11 of the SAG gene. This deletion is out-of-frame, and is expected to create a premature termination codon and result in an absent or disrupted protein product. Loss-of-function variants in SAG are known to be pathogenic (PMID: 9452120, 15234147, 22665972).

Literature cited by the submitters: PubMed 9452120; PubMed 15234147; PubMed 22665972.